The following is an entry in ClinVar:

NM_004656.4(BAP1):c.1920G>T (p.Glu640Asp)

Gene: BAP1 (BRCA1 associated deubiquitinase 1; minus strand). Cytogenetic location: 3p21.1.
Variant type: single nucleotide variant.
Coding change: c.1920G>T on transcript NM_004656.4 (MANE Select); coding-DNA position 1920, G replaced by T.
Protein change: p.Glu640Asp; replaces glutamic acid 640 with aspartic acid.
Molecular consequence: missense variant.
Genome position (GRCh38, 1-based): chr3:52,402,842, C>A on the plus strand (G>T on the coding strand, the complement: BAP1 is on the minus strand). VCF-style: chr3-52402842-C-A. GRCh37 (hg19) VCF-style: chr3-52436858-C-A.
Other names: c.1866G>T, p.Glu622Asp (NM_001410772.1); short protein forms E622D, E640D.
Identifiers: ClinVar variation 4742200 (VCV004742200.1).

ClinVar aggregate classification (germline): Uncertain significance (1 of 4 stars; one submission).

Conditions:
BAP1-related tumor predisposition syndrome (TPDS1). Also called: TUMOR PREDISPOSITION SYNDROME 1; BAP1 tumor predisposition syndrome; Tumor susceptibility linked to germline BAP1 mutations; COMMON Syndrome. Identifiers: Orphanet 289539, MedGen C3280492, MONDO:0013692, OMIM 614327.

gnomAD v4.1: 1 of 1,614,242 alleles (0.000062%); highest among the groups gnomAD compares: Non-Finnish European, 0.000085%; no homozygotes.

Submission:

Labcorp Genetics (formerly Invitae), Labcorp
Classification: Uncertain significance for BAP1-related tumor predisposition syndrome. Last evaluated: 2025-04-22. Review status: criteria provided, single submitter. Criteria: Invitae Variant Classification Sherloc (09022015). Collection method: clinical testing. Allele origin: germline.
Comment: This sequence change replaces glutamic acid, which is acidic and polar, with aspartic acid, which is acidic and polar, at codon 640 of the BAP1 protein (p.Glu640Asp). This variant is not present in population databases (gnomAD no frequency). This variant has not been reported in the literature in individuals affected with BAP1-related conditions. Invitae Evidence Modeling of protein sequence and biophysical properties (such as structural, functional, and spatial information, amino acid conservation, physicochemical variation, residue mobility, and thermodynamic stability) has been performed for this missense variant. However, the output from this modeling did not meet the statistical confidence thresholds required to predict the impact of this variant on BAP1 protein function. In summary, the available evidence is currently insufficient to determine the role of this variant in disease. Therefore, it has been classified as a Variant of Uncertain Significance.